The following is an entry in ClinVar:

NM_018407.6(LAPTM4B):c.-67_-52dup

Gene: LAPTM4B (lysosomal protein transmembrane 4 beta; plus strand). Cytogenetic location: 8q22.1.
Variant type: Duplication.
Coding change: c.-67_-52dup on transcript NM_018407.6 (MANE Select); 67 bases upstream of the start codon through 52 bases upstream of the start codon, 16 bases duplicated (GCTCCAGGCGAGGCGG).
Molecular consequence: 5 prime UTR variant.
Genome position (GRCh38, 1-based): chr8:97,775,943-97,775,958, GCTCCAGGCGAGGCGG duplicated; duplicating any 16 consecutive bases within chr8:97,775,938-97,775,958 gives the same sequence; the c. name uses the placement nearest the transcript's 3' end. VCF-style (leftmost placement, unchanged base first): chr8-97775937-C-CGGCGGGCTCCAGGCGA. GRCh37 (hg19) VCF-style: chr8-98788165-C-CGGCGGGCTCCAGGCGA.
Other names: NM_018407.4:c.207_222dup; p.Ser75AlafsX71.
Identifiers: ClinVar variation 403028 (VCV000403028.4), dbSNP rs764278197, ClinGen allele CA4818341.

ClinVar aggregate classification (germline): Benign (1 of 4 stars; one submission).

Submission:

Laboratory for Molecular Medicine, Mass General Brigham Personalized Medicine
Classification: Benign. Last evaluated: 2016-03-29. Review status: criteria provided, single submitter. Criteria: LMM Criteria. Collection method: clinical testing. Allele origin: germline.
Comment: Variant identified in a genome or exome case(s) and assessed due to predicted null impact of the variant or pathogenic assertions in the literature or databases. Disclaimer: This variant has not undergone full assessment. The following are preliminary notes: Not present in FAST (frequency). ExAC: 23.9% (9166/38406) total chromosomes